The following is an entry in ClinVar:

NM_005422.4(TECTA):c.2429G>T (p.Arg810Leu)

Genes: TBCEL-TECTA (TBCEL-TECTA readthrough; plus strand), TECTA (tectorin alpha; plus strand), LOC126861365 (P300/CBP strongly-dependent group 1 enhancer GRCh37_chr11:121000154-121001353; plus strand). Cytogenetic location: 11q23.3.
Variant type: single nucleotide variant.
Coding change: c.2429G>T on transcript NM_005422.4 (MANE Select); coding-DNA position 2429, G replaced by T.
Protein change: p.Arg810Leu; replaces arginine 810 with leucine.
Molecular consequence: missense variant.
Genome position (GRCh38, 1-based): chr11:121,129,699, G>T. VCF-style: chr11-121129699-G-T. GRCh37 (hg19) VCF-style: chr11-121000408-G-T.
Other names: c.3386G>T, p.Arg1129Leu (NM_001378761.1); short protein forms R1129L, R810L.
Identifiers: ClinVar variation 1310424 (VCV001310424.2), dbSNP rs780375885, ClinGen allele CA6326993.

ClinVar aggregate classification (germline): Uncertain significance (1 of 4 stars; one submission).

gnomAD v4.1: 7 of 1,614,028 alleles (0.00043%); highest among the groups gnomAD compares: Non-Finnish European, 0.00059%; no homozygotes.

Submission:

GeneDx
Classification: Uncertain significance. Last evaluated: 2019-11-25. Review status: criteria provided, single submitter. Criteria: GeneDx Variant Classification Process June 2021. Collection method: clinical testing. Allele origin: germline. Affected: yes.
Comment: Not observed at a significant frequency in large population cohorts (Lek et al., 2016); In silico analysis, which includes protein predictors and evolutionary conservation, supports a deleterious effect; Has not been previously published as pathogenic or benign to our knowledge